The following is an entry in ClinVar:

ClinVar aggregate classification (germline): Uncertain significance (1 of 4 stars; one submission).

Conditions:
Gorlin syndrome. Also called: Nevoid Basal Cell Carcinoma Syndrome; Basal cell nevus syndrome. Identifiers: Orphanet 377, MedGen C0004779, MONDO:0007187.

Submission:

Labcorp Genetics (formerly Invitae), Labcorp
Classification: Uncertain significance for Gorlin syndrome. Last evaluated: 2021-01-31. Review status: criteria provided, single submitter. Criteria: Invitae Variant Classification Sherloc (09022015). Collection method: clinical testing. Allele origin: germline.
Comment: In summary, the available evidence is currently insufficient to determine the role of this variant in disease. Therefore, it has been classified as a Variant of Uncertain Significance. This sequence change replaces phenylalanine with leucine at codon 434 of the PTCH1 protein (p.Phe434Leu). The phenylalanine residue is moderately conserved and there is a small physicochemical difference between phenylalanine and leucine. This variant is not present in population databases (ExAC no frequency). This variant has not been reported in the literature in individuals with PTCH1-related conditions. Algorithms developed to predict the effect of missense changes on protein structure and function are either unavailable or do not agree on the potential impact of this missense change (SIFT: "Tolerated"; PolyPhen-2: "Possibly Damaging"; Align-GVGD: "Class C0").

NM_000264.5(PTCH1):c.1300T>C (p.Phe434Leu)

Gene: PTCH1 (patched 1; minus strand). Cytogenetic location: 9q22.32.
Variant type: single nucleotide variant.
Coding change: c.1300T>C on transcript NM_000264.5 (MANE Select); coding-DNA position 1300, T replaced by C.
Protein change: p.Phe434Leu; replaces phenylalanine 434 with leucine.
Molecular consequence: missense variant. On other transcripts: non-coding transcript variant (1).
Genome position (GRCh38, 1-based): chr9:95,478,102, A>G on the plus strand (T>C on the coding strand, the complement: PTCH1 is on the minus strand). VCF-style: chr9-95478102-A-G. GRCh37 (hg19) VCF-style: chr9-98240384-A-G.
Other names: c.1102T>C, p.Phe368Leu (NM_001083602.3); c.1297T>C, p.Phe433Leu (NM_001083603.3); c.847T>C, p.Phe283Leu (NM_001083604.3, NM_001083605.3, NM_001083606.3 and 1 more transcripts); c.1300T>C, p.Phe434Leu (NM_001354918.2); short protein forms F283L, F368L, F433L, F434L.
Identifiers: ClinVar variation 1414893 (VCV001414893.8), dbSNP rs2118332463, ClinGen allele CA374118796.